The following is an entry in ClinVar:

NM_000017.4(ACADS):c.826del (p.Ala276fs)

Gene: ACADS (acyl-CoA dehydrogenase short chain; plus strand). Cytogenetic location: 12q24.31.
Variant type: Deletion.
Coding change: c.826del on transcript NM_000017.4 (MANE Select); coding-DNA position 826, one base deleted (G; older notation c.826delG).
Protein change: p.Ala276fs; shifts the reading frame from alanine 276.
Molecular consequence: frameshift variant.
Genome position (GRCh38, 1-based): chr12:120,738,563, G deleted. VCF-style (leftmost placement, unchanged base first): chr12-120738562-CG-C. GRCh37 (hg19) VCF-style: chr12-121176365-CG-C.
Other names: c.814del, p.Ala272fs (NM_001302554.2); short protein forms A272fs, A276fs.
Identifiers: ClinVar variation 2631279 (VCV002631279.1), dbSNP rs1318266542, ClinGen allele CA684418151.

ClinVar aggregate classification (germline): Pathogenic (1 of 4 stars; one submission).

Conditions:
ACADS-related disorder. Also called: ACADS-related condition.

Allele frequency attached by ClinVar (database versions not stated): gnomAD 0.00001; TOPMed 0.00001.

Submission:

PreventionGenetics, part of Exact Sciences
Classification: Pathogenic for ACADS-related condition. Last evaluated: 2023-07-18. Review status: criteria provided, single submitter. Criteria: ACMG Guidelines, 2015. Collection method: clinical testing. Allele origin: germline.
Comment: The ACADS c.826delG variant is predicted to result in a frameshift and premature protein termination (p.Ala276Profs*16). To our knowledge, this variant has not been reported in the literature or in a large population database, indicating this variant is rare. Frameshift variants in ACADS are expected to be pathogenic. This variant is interpreted as pathogenic.